The following is an entry in ClinVar:

NM_000070.3(CAPN3):c.1099G>A (p.Gly367Ser)

Gene: CAPN3 (calpain 3; plus strand). Cytogenetic location: 15q15.1.
Variant type: single nucleotide variant.
Coding change: c.1099G>A on transcript NM_000070.3 (MANE Select); coding-DNA position 1099, G replaced by A.
Protein change: p.Gly367Ser; replaces glycine 367 with serine.
Molecular consequence: missense variant.
Genome position (GRCh38, 1-based): chr15:42,394,325, G>A. VCF-style: chr15-42394325-G-A. GRCh37 (hg19) VCF-style: chr15-42686523-G-A.
Other names: NM_000070.3(CAPN3):c.1099G>A; p.Gly367Ser; c.1099G>A, p.Gly367Ser (NM_024344.2); c.955G>A, p.Gly319Ser (NM_173087.2); short protein forms G367S, G319S.
Identifiers: ClinVar variation 468639 (VCV000468639.26), dbSNP rs767106920, ClinGen allele CA7511243.

ClinVar aggregate classification (germline): Likely pathogenic. Review status: reviewed by expert panel (3 of 4 stars). 12 submissions from 12 submitters: Likely pathogenic (1). 11 of the submissions do not count toward it. Last evaluated 2025-10-28.

Conditions:
Muscular dystrophy, limb-girdle, autosomal dominant 4. Also called: MUSCULAR DYSTROPHY, LIMB-GIRDLE, TYPE 1I; Calpain-3-related limb-girdle muscular dystrophy D4. Identifiers: Orphanet 565909, MedGen C4748295, MONDO:0029133, OMIM 618129.
CAPN3-related disorder. Also called: CAPN3-related disorders; CAPN3-related condition. Identifiers: MedGen CN239245.
Autosomal recessive limb-girdle muscular dystrophy type 2A (LGMDR1). Also called: LEYDEN-MOEBIUS MUSCULAR DYSTROPHY; MUSCULAR DYSTROPHY, PELVOFEMORAL; Limb-girdle muscular dystrophy, type 2A; Calpainopathy; Muscular dystrophy, limb-girdle, type 2A, Amish. Identifiers: Orphanet 267, MedGen C1869123, MONDO:0009675, OMIM 253600. Disease mechanism: loss of function.
Autosomal recessive limb-girdle muscular dystrophy. Identifiers: Orphanet 102015, MedGen C2931907, MONDO:0015152.

Allele frequency attached by ClinVar (database versions not stated): TOPMed 0.00002; gnomAD exomes 0.00003 and 0.00005; gnomAD 0.00006; ExAC 0.00013.
gnomAD v4.1: 40 of 1,560,702 alleles (0.0026%); highest among the groups gnomAD compares: South Asian, 0.027%; no homozygotes.

Submissions (12):

ClinGen Limb Girdle Muscular Dystrophy Variant Curation Expert Panel, ClinGen
Classification: Likely pathogenic for Autosomal recessive limb-girdle muscular dystrophy. Last evaluated: 2025-10-28. Review status: reviewed by expert panel. Criteria: ClinGen LGMD VCEP ACMG Specifications CAPN3 V2.0.0. Collection method: curation. Allele origin: germline. Inheritance: Autosomal recessive inheritance.
Comment: The NM_000070.3: c.1099G>A variant in CAPN3 is a missense variant expected to result in the substitution of glycine with serine at amino acid 367, p.(Gly367Ser). This variant has been identified in at least 7 patients with features consistent with LGMD (PMID: 15689361, 17236769, 25079074, 32403337, 33250842, 34201303; ClinVar SCV000645461.5 internal data communication), including confirmed in trans with a whole gene deletion in one individual (1.0 pt, ClinVar SCV000645461.5 internal data communication) and in unconfirmed phase with a pathogenic variant in two cases (c.759_761del p.(Lys254del), 0.5 pts, PMID: 15689361; c.1322del p.(Gly441ValfsTer22), 0.5 pts, PMID: 34201303) (PM3_Strong). At least one patient with this variant and a second presumed diagnostic CAPN3 allele displayed progressive limb girdle muscle weakness (PP4). The upper bound of the 95% confidence interval of the Grpmax variant allele frequency in gnomAD v4.1.0 is 0.0003851 (the upper threshold of the 95% CI of 23/84620 South Asian chromosomes), which is greater than the ClinGen LGMD VCEP threshold (≤0.0001) (PM2_Supporting not met). The computational predictor REVEL gives a score of 0.955, which is above the LGMD VCEP threshold of ≥0.70, evidence that correlates with impact to DYSF function (PP3). In summary, this variant meets the criteria to be classified as Likely pathogenic for autosomal recessive limb girdle muscular dystrophy based on the ACMG/AMP criteria applied, as specified by the ClinGen LGMD VCEP (LGMD VCEP specifications version 2.0.0; 10/28/2025): PP3, PM3_Strong, PP4.

Dasa
Classification: Likely pathogenic. Last evaluated: 2026-04-04. Review status: criteria provided, single submitter. Criteria: DASA Assertion Criteria. Collection method: clinical testing. Allele origin: germline. Not counted in ClinVar's aggregate classification.
Comment: NM_000070.3(CAPN3):c.1099G>A (p.Gly367Ser) is a missense variant that results in the substitution of glycine with serine. This variant has been observed in affected individuals with CAPN3-related disorders. Also, this variant is rare in population databases. Computational evidence supports a deleterious effect. Based on the currently available evidence, this variant is classified as likely pathogenic.

PreventionGenetics, part of Exact Sciences
Classification: Likely pathogenic for CAPN3-related condition. Last evaluated: 2026-03-18. Review status: criteria provided, single submitter. Criteria: ACMG Guidelines, 2015. Collection method: clinical testing. Allele origin: germline. Not counted in ClinVar's aggregate classification.
Comment: The CAPN3 c.1099G>A variant is predicted to result in the amino acid substitution p.Gly367Ser. This variant has been reported along with a second variant in several individuals with limb-girdle muscular dystrophy (Saenz et al. 2005. PubMed ID: 15689361; Table S1, Gonzalez-Quereda et al. 2020. PubMed ID: 32403337; Chakravorty et al. 2020. PubMed ID: 33250842; Milic et al. 2007. PubMed ID: 17236769; Nilsson et al. 2014. PubMed ID: 25079074; Schlaeger S. et al. 2021. PubMed ID: 34201303). This variant is reported in 0.021% of alleles in individuals of South Asian descent in gnomAD. In one study, a patient with the p.Gly367Ser exhibited decreased calpain protein expression on muscle biopsy western blot analysis (Saenz et al. 2005. PubMed ID: 15689361); however, western blot analysis in a different patient showed normal calpain 3 expression and proteolytic activity was not impacted (Milic et al. 2007. PubMed ID: 17236769). This variant is interpreted as likely pathogenic by the ClinGen Limb Girdle Muscular Dystrophy Variant Curation Expert Panel in the ClinVar database (Variation ID: 468639). This variant is interpreted as likely pathogenic for autosomal recessive CAPN3-related disorders.

Myriad Genetics, Inc.
Classification: Likely pathogenic for Autosomal recessive limb-girdle muscular dystrophy type 2A. Last evaluated: 2026-02-24. Review status: criteria provided, single submitter. Criteria: Myriad Autosomal Dominant, Autosomal Recessive and X-Linked Classification Criteria (2023). Collection method: clinical testing. Allele origin: unknown. Not counted in ClinVar's aggregate classification.
Comment: NM_000070.2(CAPN3):c.1099G>A(G367S) is a missense variant classified as likely pathogenic in the context of calpainopathy. G367S has been observed in cases with relevant disease (PMID: 15689361, 17236769, 25079074, 32403337, 33250842, 34201303). Relevant functional assessments of this variant are not available in the literature. G367S has been observed in referenced population frequency databases. In summary, NM_000070.2(CAPN3):c.1099G>A(G367S) is a missense variant that has been observed more frequently in cases with the relevant disease than in healthy populations. Please note: this variant was assessed in the context of healthy population screening.

Natera, Inc.
Classification: Likely pathogenic for Limb-girdle muscular dystrophy type 2A. Last evaluated: 2025-03-28. Review status: criteria provided, single submitter. Criteria: Natera Variant Classification Schema (03/2026). Collection method: clinical testing. Allele origin: germline. Not counted in ClinVar's aggregate classification.
Comment: The c.1099G>A variant in CAPN3 is a missense variant predicted to cause substitution of glycine to serine at amino acid 367. This variant is rare in the general population with a frequency below the threshold expected for the associated phenotype(s). This variant has been observed in one or more individuals affected with the associated recessive disease, as either homozygous or compound heterozygous with a second variant (PMID: 17236769, 34201303, 32403337, 25079074). Computational prediction algorithms indicate this variant is likely to affect gene or protein function. Given the available evidence, this variant is classified as Likely Pathogenic.

Labcorp Genetics (formerly Invitae), Labcorp
Classification: Pathogenic for Autosomal recessive limb-girdle muscular dystrophy type 2A. Last evaluated: 2025-03-07. Review status: criteria provided, single submitter. Criteria: Invitae Variant Classification Sherloc (09022015). Collection method: clinical testing. Allele origin: germline. Not counted in ClinVar's aggregate classification.
Comment: This sequence change replaces glycine, which is neutral and non-polar, with serine, which is neutral and polar, at codon 367 of the CAPN3 protein (p.Gly367Ser). This variant is present in population databases (rs767106920, gnomAD 0.02%). This missense change has been observed in individuals with autosomal recessive limb-girdle muscular dystrophy (PMID: 15689361, 25079074, 32403337, 33250842; internal data). ClinVar contains an entry for this variant (Variation ID: 468639). Invitae Evidence Modeling of protein sequence and biophysical properties (such as structural, functional, and spatial information, amino acid conservation, physicochemical variation, residue mobility, and thermodynamic stability) indicates that this missense variant is expected to disrupt CAPN3 protein function with a positive predictive value of 80%. Experimental studies have shown that this missense change does not substantially affect CAPN3 function (PMID: 17236769). For these reasons, this variant has been classified as Pathogenic.

Baylor Genetics
Classification: Pathogenic for Muscular dystrophy, limb-girdle, autosomal dominant 4. Last evaluated: 2024-03-27. Review status: criteria provided, single submitter. Criteria: ACMG Guidelines, 2015. Collection method: clinical testing. Allele origin: unknown. Not counted in ClinVar's aggregate classification.

GeneDx
Classification: Uncertain significance. Last evaluated: 2024-03-22. Review status: criteria provided, single submitter. Criteria: GeneDx Variant Classification Process June 2021. Collection method: clinical testing. Allele origin: germline. Affected: yes. Not counted in ClinVar's aggregate classification.
Comment: Identified in the single heterozygous state without a second identified CAPN3 variant in a patient with proximal muscle weakness and myopathy, however, this individual was found to be homozygous for a variant in a different gene that may explain the majority of the phenotype (PMID: 33250842); In silico analysis supports that this missense variant has a deleterious effect on protein structure/function; This variant is associated with the following publications: (PMID: 34201303, 15689361, 32403337, 17236769, 25079074, 16627476, 33250842)

Fulgent Genetics
Classification: Likely pathogenic for Autosomal recessive limb-girdle muscular dystrophy type 2A; Muscular dystrophy, limb-girdle, autosomal dominant 4. Last evaluated: 2024-03-14. Review status: criteria provided, single submitter. Criteria: ACMG Guidelines, 2015. Collection method: clinical testing. Allele origin: germline. Not counted in ClinVar's aggregate classification.

Women's Health and Genetics/Laboratory Corporation of America, LabCorp
Classification: Likely pathogenic for Autosomal recessive limb-girdle muscular dystrophy. Last evaluated: 2022-08-31. Review status: criteria provided, single submitter. Criteria: LabCorp Variant Classification Summary - May 2015. Collection method: clinical testing. Allele origin: germline. Not counted in ClinVar's aggregate classification.
Comment: Variant summary: CAPN3 c.1099G>A (p.Gly367Ser) results in a non-conservative amino acid change located in the Peptidase C2, calpain, catalytic domain (IPR001300) of the encoded protein sequence. Five of five in-silico tools predict a damaging effect of the variant on protein function. The variant allele was found at a frequency of 5.5e-05 in 199358 control chromosomes (gnomAD). This frequency is not significantly higher than expected for a pathogenic variant in CAPN3 causing Limb-Girdle Muscular Dystrophy, Autosomal Recessive (5.5e-05 vs 0.0032), allowing no conclusion about variant significance. c.1099G>A has been reported in the literature as a biallelic genotype in individuals affected with Limb-Girdle Muscular Dystrophy (Saenz_2005, Milic_2007, Nilsson_2014, Gonzalez-Quereda_2020). These data indicate that the variant is likely to be associated with disease. In vitro analysis of muscle biopsy homogenate from a patient demonstrated normal cleavage activity, however the authors suggest that other functional characteristics may be deficient as they only assayed whole tissue homogenates (Milic_2007). Three ClinVar submitters have assessed the variant since 2014 without evidence for independent evaluation: all three classified the variant as uncertain significance. Based on the evidence outlined above, the variant was classified as likely pathogenic.

Revvity Omics, Revvity
Classification: Uncertain significance. Last evaluated: 2021-09-17. Review status: criteria provided, single submitter. Criteria: ACMG Guidelines, 2015. Collection method: clinical testing. Allele origin: germline. Not counted in ClinVar's aggregate classification.

Counsyl
Classification: Uncertain significance for Autosomal recessive limb-girdle muscular dystrophy type 2A. Last evaluated: 2017-08-22. Review status: no assertion criteria provided. Collection method: clinical testing. Allele origin: unknown. Not counted in ClinVar's aggregate classification.

Literature cited by the submitters: PubMed 15689361 (cited by 4 submitters); PubMed 17236769 (cited by 5 submitters); PubMed 25079074 (cited by 5 submitters); PubMed 32403337 (cited by 4 submitters); PubMed 33250842 (cited by 3 submitters); PubMed 34201303 (cited by Myriad Genetics, Inc. and Natera, Inc.); PubMed 16627476 (cited by Counsyl).